The following is an entry in ClinVar:

NM_021625.5(TRPV4):c.1868T>G (p.Leu623Arg)

Gene: TRPV4 (transient receptor potential cation channel subfamily V member 4; minus strand). Cytogenetic location: 12q24.11.
Variant type: single nucleotide variant.
Coding change: c.1868T>G on transcript NM_021625.5 (MANE Select); coding-DNA position 1868, T replaced by G.
Protein change: p.Leu623Arg; replaces leucine 623 with arginine.
Molecular consequence: missense variant.
Genome position (GRCh38, 1-based): chr12:109,792,386, A>C on the plus strand (T>G on the coding strand, the complement: TRPV4 is on the minus strand). VCF-style: chr12-109792386-A-C. GRCh37 (hg19) VCF-style: chr12-110230191-A-C.
Other names: c.1727T>G, p.Leu576Arg (NM_001177428.2); c.1766T>G, p.Leu589Arg (NM_001177431.2); c.1547T>G, p.Leu516Arg (NM_001177433.2); c.1688T>G, p.Leu563Arg (NM_147204.3); short protein forms L516R, L563R, L576R, L589R, L623R.
Identifiers: ClinVar variation 4882740 (VCV004882740.2).
Genomic context (GRCh38, chr12:109,792,386, plus strand): 5'-CACCCCTGCCAGGACCACCTGAGCACCCAGAGCTCACCTGAAGCGTAGCCGATCATGAAG[A>C]GCAAGTAGACGAGCAGGAATCGGAAAAGGTCCTTGAAGAGAATCTAAAGACCCCAGCGGG-3'
Protein context (NP_067638.3, residues 613-633): DLFRFLLVYL[Leu623Arg]FMIGYASALV

ClinVar aggregate classification (germline): Uncertain significance (1 of 4 stars; one submission).

Submission:

Dasa
Classification: Uncertain significance. Last evaluated: 2025-01-02. Review status: criteria provided, single submitter. Criteria: DASA Assertion Criteria. Collection method: clinical testing. Allele origin: germline.
Comment: NM_021625.5(TRPV4):c.1868T>G (p.Leu623Arg) is a missense variant that results in the substitution of leucine with arginine. The affected residue or protein region has prior evidence supporting clinical relevance. This variant is absent from population databases. Computational prediction algorithms are consistent with a deleterious effect. The currently available literature and clinical evidence are not sufficient to establish a definitive association between this variant and the reported condition. Therefore, this variant is classified as a variant of uncertain significance.